The following is an entry in ClinVar:

ClinVar aggregate classification (germline): Pathogenic (1 of 4 stars; one submission).

Conditions:
Bloom syndrome (BLM). Also called: Bloom-Torre-Machacek syndrome. Identifiers: Orphanet 125, MedGen C0005859, MONDO:0008876, OMIM 210900.

Submission:

Labcorp Genetics (formerly Invitae), Labcorp
Classification: Pathogenic for Bloom syndrome. Last evaluated: 2022-10-24. Review status: criteria provided, single submitter. Criteria: Invitae Variant Classification Sherloc (09022015). Collection method: clinical testing. Allele origin: germline.
Comment: ClinVar contains an entry for this variant (Variation ID: 1458499). This variant has not been reported in the literature in individuals affected with BLM-related conditions. This variant is not present in population databases (gnomAD no frequency). This sequence change creates a premature translational stop signal (p.Gly189Valfs*16) in the BLM gene. It is expected to result in an absent or disrupted protein product. Loss-of-function variants in BLM are known to be pathogenic (PMID: 17407155). Algorithms developed to predict the effect of sequence changes on RNA splicing suggest that this variant may create or strengthen a splice site. For these reasons, this variant has been classified as Pathogenic.

Literature cited by the submitters: PubMed 17407155.

NM_000057.4(BLM):c.566del (p.Gly189fs)

Gene: BLM (BLM RecQ like helicase; plus strand). Cytogenetic location: 15q26.1.
Variant type: Deletion.
Coding change: c.566del on transcript NM_000057.4 (MANE Select); coding-DNA position 566, one base deleted (G; older notation c.566delG).
Protein change: p.Gly189fs; shifts the reading frame from glycine 189.
Molecular consequence: frameshift variant. On other transcripts: 5 prime UTR variant (1).
Genome position (GRCh38, 1-based): chr15:90,749,834, G deleted; the last of 3 consecutive G bases (chr15:90,749,832-90,749,834); deleting any one gives the same sequence. VCF-style (leftmost placement, unchanged base first): chr15-90749831-AG-A. GRCh37 (hg19) VCF-style: chr15-91293061-AG-A.
Other names: c.566del, p.Gly189fs (NM_001287246.2, NM_001287247.2); c.-726del (NM_001287248.2); short protein forms G189fs.
Identifiers: ClinVar variation 1458499 (VCV001458499.6), dbSNP rs2151147614, ClinGen allele CA2573151428.
Genomic context (GRCh38, chr15:90,749,831, plus strand): 5'-CATTTGTTACACCACCCCAAAGTCACTTTGTAAGAGTAAGCACTGCTCAGAAATCAAAAA[AG>A]GGTAAGAGAAACTTTTTTAAAGCACAGCTTTATACAACAAACACAGTAAAGACTGATTTG-3'